The following is an entry in ClinVar:

NM_001370100.5(ZMYND11):c.1306G>A (p.Val436Met)

Genes: ZMYND11 (zinc finger MYND-type containing 11; plus strand), LOC126860802 (BRD4-independent group 4 enhancer GRCh37_chr10:294268-295467; plus strand). Cytogenetic location: 10p15.3.
Variant type: single nucleotide variant.
Coding change: c.1306G>A on transcript NM_001370100.5 (MANE Select); coding-DNA position 1306, G replaced by A.
Protein change: p.Val436Met; replaces valine 436 with methionine.
Molecular consequence: missense variant. On other transcripts: non-coding transcript variant (1).
Genome position (GRCh38, 1-based): chr10:248,414, G>A. VCF-style: chr10-248414-G-A. GRCh37 (hg19) VCF-style: chr10-294354-G-A.
Other names: c.1144G>A, p.Val382Met (NM_001202464.3, NM_001202467.1, NM_001370103.2 and 6 more transcripts); c.1051G>A, p.Val351Met (NM_001202465.3, NM_001370110.2); c.1141G>A, p.Val381Met (NM_001202466.3, NM_001370111.2); c.1306G>A, p.Val436Met (NM_001202468.1, NM_001370097.3, NM_001370098.2 and 4 more transcripts); c.1255G>A, p.Val419Met (NM_001330057.3, NM_001370112.2); c.1159G>A, p.Val387Met (NM_001370119.2); c.1078G>A, p.Val360Met (NM_001370120.2); c.1024G>A, p.Val342Met (NM_001370121.2); and 8 more; short protein forms V436M, V279M, V342M, V413M, V414M, V419M, V435M, V317M.
Identifiers: ClinVar variation 437340 (VCV000437340.12), dbSNP rs374548684, ClinGen allele CA5379215.

ClinVar aggregate classification (germline): Conflicting classifications of pathogenicity. Review status: criteria provided, conflicting classifications (1 of 4 stars). 3 submissions from 3 submitters: Uncertain significance (1); Likely benign (2). Last evaluated 2025-08-29.

Allele frequency attached by ClinVar (database versions not stated): ExAC 0.00002; gnomAD exomes 0.00002 and 0.00003; gnomAD 0.00005; TOPMed 0.00007; ESP Exome Variant Server 0.00015.
gnomAD v4.1: 55 of 1,614,042 alleles (0.0034%); highest among the groups gnomAD compares: African/African-American, 0.011%; no homozygotes.

Submissions (3):

Labcorp Genetics (formerly Invitae), Labcorp
Classification: Likely benign. Last evaluated: 2025-08-29. Review status: criteria provided, single submitter. Criteria: Invitae Variant Classification Sherloc (09022015). Collection method: clinical testing. Allele origin: germline.

Women's Health and Genetics/Laboratory Corporation of America, LabCorp
Classification: Uncertain significance. Last evaluated: 2024-09-11. Review status: criteria provided, single submitter. Criteria: LabCorp Variant Classification Summary - May 2015. Collection method: clinical testing. Allele origin: germline.
Comment: Variant summary: ZMYND11 c.1306G>A (p.Val436Met) results in a conservative amino acid change in the encoded protein sequence. Three of five in-silico tools predict a benign effect of the variant on protein function. The variant allele was found at a frequency of 1.6e-05 in 251324 control chromosomes. The available data on variant occurrences in the general population are insufficient to allow any conclusion about variant significance. To our knowledge, no occurrence of c.1306G>A in individuals affected with Intellectual Disability, Autosomal Dominant 30 and no experimental evidence demonstrating its impact on protein function have been reported. ClinVar contains an entry for this variant (Variation ID: 437340). Based on the evidence outlined above, the variant was classified as uncertain significance.

Genetic Services Laboratory, University of Chicago
Classification: Likely benign. Last evaluated: 2017-06-06. Review status: criteria provided, single submitter. Criteria: ACMG Guidelines, 2015. Collection method: clinical testing. Allele origin: germline. Affected: no.